The following is an entry in ClinVar:

ClinVar aggregate classification (germline): Uncertain significance (1 of 4 stars; one submission).

Submission:

Labcorp Genetics (formerly Invitae), Labcorp
Classification: Uncertain significance. Last evaluated: 2020-07-30. Review status: criteria provided, single submitter. Criteria: Invitae Variant Classification Sherloc (09022015). Collection method: clinical testing. Allele origin: germline.
Comment: This variant is not present in population databases (ExAC no frequency). In summary, the available evidence is currently insufficient to determine the role of this variant in disease. Therefore, it has been classified as a Variant of Uncertain Significance. Algorithms developed to predict the effect of missense changes on protein structure and function are either unavailable or do not agree on the potential impact of this missense change (SIFT: "Deleterious"; PolyPhen-2: "Possibly Damaging"; Align-GVGD: "Class C15"). This variant has not been reported in the literature in individuals with PDE6A-related conditions. This sequence change replaces aspartic acid with tyrosine at codon 63 of the PDE6A protein (p.Asp63Tyr). The aspartic acid residue is highly conserved and there is a large physicochemical difference between aspartic acid and tyrosine.

NM_000440.3(PDE6A):c.187G>T (p.Asp63Tyr)

Gene: PDE6A (phosphodiesterase 6A; minus strand). Cytogenetic location: 5q32.
Variant type: single nucleotide variant.
Coding change: c.187G>T on transcript NM_000440.3 (MANE Select); coding-DNA position 187, G replaced by T.
Protein change: p.Asp63Tyr; replaces aspartic acid 63 with tyrosine.
Molecular consequence: missense variant.
Genome position (GRCh38, 1-based): chr5:149,944,487, C>A on the plus strand (G>T on the coding strand, the complement: PDE6A is on the minus strand). VCF-style: chr5-149944487-C-A. GRCh37 (hg19) VCF-style: chr5-149324050-C-A.
Other names: short protein forms D63Y.
Identifiers: ClinVar variation 1020987 (VCV001020987.8), dbSNP rs1754413040, ClinGen allele CA361701052.